The following is an entry in ClinVar:

NM_002454.3(MTRR):c.908_909del (p.Thr303fs)

Gene: MTRR (5-methyltetrahydrofolate-homocysteine methyltransferase reductase; plus strand). Cytogenetic location: 5p15.31.
Variant type: Deletion.
Coding change: c.908_909del on transcript NM_002454.3 (MANE Select); coding-DNA positions 908 to 909, 2 bases deleted (CA; older notation c.908_909delCA).
Protein change: p.Thr303fs; shifts the reading frame from threonine 303.
Molecular consequence: frameshift variant. On other transcripts: non-coding transcript variant (14).
Genome position (GRCh38, 1-based): chr5:7,885,705-7,885,706, CA deleted; deleting any 2 consecutive bases within chr5:7,885,704-7,885,706 gives the same sequence; the c. name uses the placement nearest the transcript's 3' end. VCF-style (leftmost placement, unchanged base first): chr5-7885703-TAC-T. GRCh37 (hg19) VCF-style: chr5-7885816-TAC-T.
Other names: c.908_909del, p.Thr303fs (NM_001364441.2, NM_001364442.2, NM_024010.4 and 1 more transcripts); short protein forms T303fs.
Identifiers: ClinVar variation 2970460 (VCV002970460.3), dbSNP rs2478942250, ClinGen allele CA2740091684.

ClinVar aggregate classification (germline): Pathogenic (1 of 4 stars; one submission).

Conditions:
Methylcobalamin deficiency type cblE (HMAE). Also called: HOMOCYSTINURIA-MEGALOBLASTIC ANEMIA, cblE COMPLEMENTATION TYPE; HOMOCYSTINURIA-MEGALOBLASTIC ANEMIA, cblE TYPE; VITAMIN B12-RESPONSIVE HOMOCYSTINURIA, cblE TYPE. Identifiers: Orphanet 2169, Orphanet 622, MedGen C1856057, MONDO:0009354, OMIM 236270.

Submission:

Labcorp Genetics (formerly Invitae), Labcorp
Classification: Pathogenic for Methylcobalamin deficiency type cblE. Last evaluated: 2023-07-16. Review status: criteria provided, single submitter. Criteria: Invitae Variant Classification Sherloc (09022015). Collection method: clinical testing. Allele origin: germline.
Comment: This variant has not been reported in the literature in individuals affected with MTRR-related conditions. This variant is not present in population databases (gnomAD no frequency). This sequence change creates a premature translational stop signal (p.Thr303Argfs*16) in the MTRR gene. It is expected to result in an absent or disrupted protein product. Loss-of-function variants in MTRR are known to be pathogenic (PMID: 15714522). Algorithms developed to predict the effect of sequence changes on RNA splicing suggest that this variant may create or strengthen a splice site. For these reasons, this variant has been classified as Pathogenic.

Literature cited by the submitters: PubMed 15714522.